The following is an entry in ClinVar:

ClinVar aggregate classification (germline): Uncertain significance. Review status: criteria provided, multiple submitters, no conflicts (2 of 4 stars). 2 submissions from 2 submitters: Uncertain significance (2). Last evaluated 2024-12-17.

Conditions:
Mitochondrial hypertrophic cardiomyopathy with lactic acidosis due to MTO1 deficiency. Also called: CARDIOMYOPATHY, INFANTILE HYPERTROPHIC MITOCHONDRIAL, AND LACTIC ACIDOSIS; Combined oxidative phosphorylation deficiency 10. Identifiers: Orphanet 314637, MedGen C4749921, MONDO:0013865, OMIM 614702.
Inborn genetic diseases. Identifiers: MedGen C0950123, MeSH D030342.

Submissions (2):

Ambry Genetics
Classification: Uncertain significance for Inborn genetic diseases. Last evaluated: 2024-12-17. Review status: criteria provided, single submitter. Criteria: Ambry Variant Classification Scheme 2023. Collection method: clinical testing. Allele origin: germline.

Labcorp Genetics (formerly Invitae), Labcorp
Classification: Uncertain significance for Mitochondrial hypertrophic cardiomyopathy with lactic acidosis due to MTO1 deficiency. Last evaluated: 2021-06-02. Review status: criteria provided, single submitter. Criteria: Invitae Variant Classification Sherloc (09022015). Collection method: clinical testing. Allele origin: germline.
Comment: Algorithms developed to predict the effect of missense changes on protein structure and function output the following: SIFT: "Tolerated"; PolyPhen-2: "Benign"; Align-GVGD: "Class C0". The tyrosine amino acid residue is found in multiple mammalian species, suggesting that this missense change does not adversely affect protein function. These predictions have not been confirmed by published functional studies and their clinical significance is uncertain. In summary, the available evidence is currently insufficient to determine the role of this variant in disease. Therefore, it has been classified as a Variant of Uncertain Significance. This variant has not been reported in the literature in individuals with MTO1-related conditions. This variant is not present in population databases (ExAC no frequency). This sequence change replaces histidine with tyrosine at codon 594 of the MTO1 protein (p.His594Tyr). The histidine residue is weakly conserved and there is a moderate physicochemical difference between histidine and tyrosine.

NM_012123.4(MTO1):c.1780C>T (p.His594Tyr)

Gene: MTO1 (mitochondrial tRNA translation optimization 1; plus strand). Cytogenetic location: 6q13.
Variant type: single nucleotide variant.
Coding change: c.1780C>T on transcript NM_012123.4 (MANE Select); coding-DNA position 1780, C replaced by T.
Protein change: p.His594Tyr; replaces histidine 594 with tyrosine.
Molecular consequence: missense variant.
Genome position (GRCh38, 1-based): chr6:73,497,759, C>T. VCF-style: chr6-73497759-C-T. GRCh37 (hg19) VCF-style: chr6-74207482-C-T.
Other names: c.1855C>T, p.His619Tyr (NM_133645.3); c.1900C>T, p.His634Tyr (NM_001123226.2); c.1900C>T (NM_001123226.1); short protein forms H634Y, H594Y, H619Y.
Identifiers: ClinVar variation 1501448 (VCV001501448.9), dbSNP rs2150044948, ClinGen allele CA364700801.
Genomic context (GRCh38, chr6:73,497,759, plus strand): 5'-CTGGGTATTATAACATGATTCTGATTTTGTTGACCAGCCACTTATGAATCAGTGTTGTTC[C>T]ATCAACTACAAGAAATAAAGGGAGTTCAGCAAGATGAAGCTCTCCAACTGCCAAAAGACC-3'
Protein context (NP_036255.2, residues 584-604): IEATYESVLF[His594Tyr]QLQEIKGVQQ